The following is an entry in ClinVar:

NM_000528.4(MAN2B1):c.2655G>A (p.Pro885=)

Gene: MAN2B1 (mannosidase alpha class 2B member 1; minus strand). Cytogenetic location: 19p13.13.
Variant type: single nucleotide variant.
Coding change: c.2655G>A on transcript NM_000528.4 (MANE Select); coding-DNA position 2655, G replaced by A.
Protein change: p.Pro885=; no amino-acid change (proline 885 retained).
Molecular consequence: synonymous variant.
Genome position (GRCh38, 1-based): chr19:12,648,184, C>T on the plus strand (G>A on the coding strand, the complement: MAN2B1 is on the minus strand). VCF-style: chr19-12648184-C-T. GRCh37 (hg19) VCF-style: chr19-12758998-C-T.
Other names: c.2655G>A (NM_000528.3); c.2652G>A, p.Pro884= (NM_001173498.2).
Identifiers: ClinVar variation 1078003 (VCV001078003.10), dbSNP rs1046211352, ClinGen allele CA305460968.
Genomic context (GRCh38, chr19:12,648,184, plus strand): 5'-TCCCTGGTAGACTTCAATCCGGTCCTCTCTGCCTACCCCGCTGCCCCTCACCTGCGTGCG[C>T]GGAGGAGCCCCGAGATTGTAGGCGGCGCCGCCACCCGGGGCCAGCACCACCTGAGGGGCC-3'
Protein context (NP_000519.2, residues 875-895): GGAAYNLGAP[Pro885=]RTQFSGLRRD

ClinVar aggregate classification (germline): Likely benign. Review status: criteria provided, multiple submitters, no conflicts (2 of 4 stars). 2 submissions from 2 submitters: Likely benign (2). Last evaluated 2026-06-18.

Conditions:
Deficiency of alpha-mannosidase (MANSA). Also called: Alpha-Mannosidosis; LYSOSOMAL ALPHA-D-MANNOSIDASE DEFICIENCY; Mannosidosis, alpha-, types I and II. Identifiers: Orphanet 61, MedGen C0024748, MONDO:0009561, OMIM 248500.
MAN2B1-related disorder. Also called: MAN2B1-related condition.

Allele frequency attached by ClinVar (database versions not stated): gnomAD exomes 0.00001; gnomAD 0.00002; TOPMed 0.00002.

Submissions (2):

PreventionGenetics, part of Exact Sciences
Classification: Likely benign for MAN2B1-related condition. Last evaluated: 2026-06-18. Review status: criteria provided, single submitter. Criteria: ACMG Guidelines, 2015. Collection method: clinical testing. Allele origin: germline.
Comment: This variant is classified as likely benign based on ACMG/AMP sequence variant interpretation guidelines (Richards et al. 2015 PMID: 25741868, with internal and published modifications).

Labcorp Genetics (formerly Invitae), Labcorp
Classification: Likely benign for Deficiency of alpha-mannosidase. Last evaluated: 2025-11-18. Review status: criteria provided, single submitter. Criteria: Invitae Variant Classification Sherloc (09022015). Collection method: clinical testing. Allele origin: germline.